The following is an entry in ClinVar:

NM_004539.4(NARS1):c.889A>C (p.Thr297Pro)

Gene: NARS1 (asparaginyl-tRNA synthetase 1; minus strand). Cytogenetic location: 18q21.31.
Variant type: single nucleotide variant.
Coding change: c.889A>C on transcript NM_004539.4 (MANE Select); coding-DNA position 889, A replaced by C.
Protein change: p.Thr297Pro; replaces threonine 297 with proline.
Molecular consequence: missense variant.
Genome position (GRCh38, 1-based): chr18:57,607,246, T>G on the plus strand (A>C on the coding strand, the complement: NARS1 is on the minus strand). VCF-style: chr18-57607246-T-G. GRCh37 (hg19) VCF-style: chr18-55274478-T-G.
Other names: short protein forms T297P.
Identifiers: ClinVar variation 2431803 (VCV002431803.1), dbSNP rs2511570541, ClinGen allele CA402547639.
Genomic context (GRCh38, chr18:57,607,246, plus strand): 5'-TACAAAAAACATCTCCCAGGGCTGGGAGGCAGGTCTCCAAGTACAACTGAGAGGATTGAG[T>G]CAAAAATGCCTCTTCCCCAAAATAGTCAAGCTTGAAGAGTGTGGCACCACCTTCTACTTG-3'
Protein context (NP_004530.1, residues 287-307): LDYFGEEAFL[Thr297Pro]QSSQLYLETC

ClinVar aggregate classification (germline): Uncertain significance (1 of 4 stars; one submission).

Conditions:
Neurodevelopmental disorder with microcephaly, impaired language, epilepsy, and gait abnormalities. Identifiers: MedGen C5436788, MONDO:0030837, OMIM 619092.

Submission:

Laboratorio de Genetica e Diagnostico Molecular, Hospital Israelita Albert Einstein
Classification: Uncertain significance for Neurodevelopmental disorder with microcephaly, impaired language, epilepsy, and gait abnormalities. Last evaluated: 2022-11-18. Review status: criteria provided, single submitter. Criteria: ACMG Guidelines, 2015. Collection method: clinical testing. Allele origin: germline. Affected: yes. Observed: 1 variant allele.
Comment: ACMG classification criteria: PM2 moderated, PP3 supporting